The following is an entry in ClinVar:

ClinVar aggregate classification (germline): Uncertain significance (1 of 4 stars; one submission).

Conditions:
Ataxia-telangiectasia syndrome (AT). Also called: Ataxia-telangiectasia, complementation group D; AT, COMPLEMENTATION GROUP C; ATAXIA-TELANGIECTASIA, COMPLEMENTATION GROUP A; ATAXIA-TELANGIECTASIA, FRESNO VARIANT; Ataxia-telangiectasia; Ataxia-telangiectasia, complementation group E. Identifiers: Orphanet 100, MedGen C0004135, MONDO:0008840, OMIM 208900.

gnomAD v4.1: 1 of 1,614,098 alleles (0.000062%); no homozygotes.

Submission:

Labcorp Genetics (formerly Invitae), Labcorp
Classification: Uncertain significance for Ataxia-telangiectasia syndrome. Last evaluated: 2024-06-04. Review status: criteria provided, single submitter. Criteria: Invitae Variant Classification Sherloc (09022015). Collection method: clinical testing. Allele origin: germline.
Comment: This sequence change replaces threonine, which is neutral and polar, with lysine, which is basic and polar, at codon 2053 of the ATM protein (p.Thr2053Lys). This variant is not present in population databases (gnomAD no frequency). This variant has not been reported in the literature in individuals affected with ATM-related conditions. An algorithm developed to predict the effect of missense changes on protein structure and function (PolyPhen-2) suggests that this variant is likely to be tolerated. In summary, the available evidence is currently insufficient to determine the role of this variant in disease. Therefore, it has been classified as a Variant of Uncertain Significance.

NM_000051.4(ATM):c.6158C>A (p.Thr2053Lys)

Genes: ATM (ATM serine/threonine kinase; plus strand), C11orf65 (chromosome 11 open reading frame 65; minus strand). Cytogenetic location: 11q22.3.
Variant type: single nucleotide variant.
Coding change: c.6158C>A on transcript NM_000051.4 (MANE Select); coding-DNA position 6158, C replaced by A.
Protein change: p.Thr2053Lys; replaces threonine 2053 with lysine.
Molecular consequence: missense variant. On other transcripts: intron variant (2).
Genome position (GRCh38, 1-based): chr11:108,316,073, C>A. VCF-style: chr11-108316073-C-A. GRCh37 (hg19) VCF-style: chr11-108186800-C-A.
Other names: c.6158C>A, p.Thr2053Lys (NM_001351834.2); c.641-7002G>T (NM_001330368.2); c.*39-7002G>T (NM_001351110.2); short protein forms T2053K.
Identifiers: ClinVar variation 3655471 (VCV003655471.2).